The following is an entry in ClinVar:

ClinVar aggregate classification (germline): Pathogenic (1 of 4 stars; one submission).

Conditions:
Polyglandular autoimmune syndrome, type 1 (APS1). Also called: PGA I; Autoimmune polyendocrinopathy syndrome , type I, with or without reversible metaphyseal dysplasia; HYPOADRENOCORTICISM WITH HYPOPARATHYROIDISM AND SUPERFICIAL MONILIASIS; Autoimmune polyendocrine syndrome type 1; AUTOIMMUNE POLYENDOCRINE SYNDROME, TYPE I, WITH OR WITHOUT REVERSIBLE METAPHYSEAL DYSPLASIA; APS I. Identifiers: Orphanet 3453, MedGen C0085859, MONDO:0009411, OMIM 240300.

Submission:

Labcorp Genetics (formerly Invitae), Labcorp
Classification: Pathogenic for Polyglandular autoimmune syndrome, type 1. Last evaluated: 2023-05-14. Review status: criteria provided, single submitter. Criteria: Invitae Variant Classification Sherloc (09022015). Collection method: clinical testing. Allele origin: germline.
Comment: For these reasons, this variant has been classified as Pathogenic. This variant has not been reported in the literature in individuals affected with AIRE-related conditions. This variant is not present in population databases (gnomAD no frequency). This sequence change creates a premature translational stop signal (p.Glu88*) in the AIRE gene. It is expected to result in an absent or disrupted protein product. Loss-of-function variants in AIRE are known to be pathogenic (PMID: 11524731, 26141571).

Literature cited by the submitters: PubMed 11524731; PubMed 26141571.

NM_000383.4(AIRE):c.262G>T (p.Glu88Ter)

Gene: AIRE (autoimmune regulator; plus strand). Cytogenetic location: 21q22.3.
Variant type: single nucleotide variant.
Coding change: c.262G>T on transcript NM_000383.4 (MANE Select); coding-DNA position 262, G replaced by T.
Protein change: p.Glu88Ter; replaces glutamic acid 88 with a stop codon.
Molecular consequence: nonsense.
Genome position (GRCh38, 1-based): chr21:44,286,686, G>T. VCF-style: chr21-44286686-G-T. GRCh37 (hg19) VCF-style: chr21-45706569-G-T.
Other names: short protein forms E88*.
Identifiers: ClinVar variation 2864222 (VCV002864222.3), dbSNP rs2040485608, ClinGen allele CA410423467.
Genomic context (GRCh38, chr21:44,286,686, plus strand): 5'-ACCCAGGACTCCACAGCCATCCTGGACTTCTGGAGGGTGCTGTTCAAGGACTACAACCTG[G>T]AGCGCTATGGCCGGCTGCAGCCCATCCTGGACAGCTTCCCCAAAGGTGGGTCCTGGTGGA-3'